The following is an entry in ClinVar:

NM_006269.2(RP1):c.5812C>T (p.Arg1938Cys)

Genes: RP1 (RP1 axonemal microtubule associated; plus strand), LOC126860392 (CDK7 strongly-dependent group 2 enhancer GRCh37_chr8:55541319-55542518; plus strand). Cytogenetic location: 8q12.1.
Variant type: single nucleotide variant.
Coding change: c.5812C>T on transcript NM_006269.2 (MANE Select); coding-DNA position 5812, C replaced by T.
Protein change: p.Arg1938Cys; replaces arginine 1938 with cysteine.
Molecular consequence: missense variant. On other transcripts: intron variant (1).
Genome position (GRCh38, 1-based): chr8:54,629,694, C>T. VCF-style: chr8-54629694-C-T. GRCh37 (hg19) VCF-style: chr8-55542254-C-T.
Other names: c.787+7406C>T (NM_001375654.1); short protein forms R1938C.
Identifiers: ClinVar variation 954522 (VCV000954522.10), dbSNP rs149817514, ClinGen allele CA4752135.

ClinVar aggregate classification (germline): Uncertain significance. Review status: criteria provided, multiple submitters, no conflicts (2 of 4 stars). 3 submissions from 3 submitters: Uncertain significance (3). Last evaluated 2026-08-27.

Conditions:
RP1-related disorder. Also called: RP1-related condition.

Allele frequency attached by ClinVar (database versions not stated): gnomAD exomes 0.00001 and 0.00003; ExAC 0.00004; ESP Exome Variant Server 0.00008; gnomAD 0.00010 and 0.00011; TOPMed 0.00010.
gnomAD v4.1: 31 of 1,613,170 alleles (0.0019%); highest among the groups gnomAD compares: African/African-American, 0.033%; no homozygotes.

Submissions (3):

PreventionGenetics, part of Exact Sciences
Classification: Uncertain significance for RP1-related condition. Last evaluated: 2026-08-27. Review status: criteria provided, single submitter. Criteria: ACMG Guidelines, 2015. Collection method: clinical testing. Allele origin: germline.
Comment: The RP1 c.5812C>T variant is predicted to result in the amino acid substitution p.Arg1938Cys. To our knowledge, this variant has not been reported in the literature. This variant is reported in 0.036% of alleles in individuals of African descent in gnomAD. At this time, the clinical significance of this variant is uncertain due to the absence of conclusive functional and genetic evidence.

Labcorp Genetics (formerly Invitae), Labcorp
Classification: Uncertain significance. Last evaluated: 2024-06-21. Review status: criteria provided, single submitter. Criteria: Invitae Variant Classification Sherloc (09022015). Collection method: clinical testing. Allele origin: germline.
Comment: This sequence change replaces arginine, which is basic and polar, with cysteine, which is neutral and slightly polar, at codon 1938 of the RP1 protein (p.Arg1938Cys). This variant is present in population databases (rs149817514, gnomAD 0.04%). This variant has not been reported in the literature in individuals affected with RP1-related conditions. ClinVar contains an entry for this variant (Variation ID: 954522). Algorithms developed to predict the effect of missense changes on protein structure and function output the following: SIFT: "Not Available"; PolyPhen-2: "Benign"; Align-GVGD: "Not Available". The cysteine amino acid residue is found in multiple mammalian species, which suggests that this missense change does not adversely affect protein function. In summary, the available evidence is currently insufficient to determine the role of this variant in disease. Therefore, it has been classified as a Variant of Uncertain Significance.

Blueprint Genetics
Classification: Uncertain significance. Last evaluated: 2022-05-31. Review status: criteria provided, single submitter. Criteria: ACMG Guidelines, 2015. Collection method: clinical testing. Allele origin: germline.